The following is an entry in ClinVar:

ClinVar aggregate classification (germline): Pathogenic (1 of 4 stars; one submission).

Submission:

Labcorp Genetics (formerly Invitae), Labcorp
Classification: Pathogenic. Last evaluated: 2020-02-18. Review status: criteria provided, single submitter. Criteria: Invitae Variant Classification Sherloc (09022015). Collection method: clinical testing. Allele origin: germline.
Comment: This sequence change creates a premature translational stop signal (p.Gly196Valfs*25) in the PHEX gene. It is expected to result in an absent or disrupted protein product. This variant is not present in population databases (ExAC no frequency). This variant has not been reported in the literature in individuals with PHEX-related conditions. Loss-of-function variants in PHEX are known to be pathogenic (PMID: 9097956, 9106524, 19219621). For these reasons, this variant has been classified as Pathogenic.

Literature cited by the submitters: PubMed 9097956; PubMed 9106524; PubMed 19219621.

NM_000444.6(PHEX):c.587del (p.Gly196fs)

Gene: PHEX (phosphate regulating endopeptidase X-linked; plus strand). Cytogenetic location: Xp22.11.
Variant type: Deletion.
Coding change: c.587del on transcript NM_000444.6 (MANE Select); coding-DNA position 587, one base deleted (G; older notation c.587delG).
Protein change: p.Gly196fs; shifts the reading frame from glycine 196.
Molecular consequence: frameshift variant.
Genome position (GRCh38, 1-based): chrX:22,077,626, G deleted; the last of 2 consecutive G bases (chrX:22,077,625-22,077,626); deleting either gives the same sequence. VCF-style (leftmost placement, unchanged base first): chrX-22077624-TG-T. GRCh37 (hg19) VCF-style: chrX-22095742-TG-T.
Other names: c.587del, p.Gly196fs (NM_001282754.2); short protein forms G196fs.
Identifiers: ClinVar variation 1069401 (VCV001069401.7), dbSNP rs2147020723, ClinGen allele CA2499226567.